The following is an entry in ClinVar:

NM_001042492.3(NF1):c.6686G>A (p.Trp2229Ter)

Gene: NF1 (neurofibromin 1; plus strand). Cytogenetic location: 17q11.2.
Variant type: single nucleotide variant.
Coding change: c.6686G>A on transcript NM_001042492.3 (MANE Select); coding-DNA position 6686, G replaced by A.
Protein change: p.Trp2229Ter; replaces tryptophan 2229 with a stop codon.
Molecular consequence: nonsense.
Genome position (GRCh38, 1-based): chr17:31,337,862, G>A. VCF-style: chr17-31337862-G-A. GRCh37 (hg19) VCF-style: chr17-29664880-G-A.
Other names: c.6623G>A, p.Trp2208Ter (NM_000267.4); short protein forms W2229*, W2208*.
Identifiers: ClinVar variation 1451873 (VCV001451873.11), dbSNP rs2151557496, ClinGen allele CA399013892.
Genomic context (GRCh38, chr17:31,337,862, plus strand): 5'-AGTATCCCCTTTTTTAGGCATGCATGAGAGATATTCCAACGTGCAAGTGGCTGGACCAGT[G>A]GACAGAACTAGCTCAAAGGTATGTCCTAAATTAAATATAAGTTGTAAAAATATGCATATT-3'

ClinVar aggregate classification (germline): Pathogenic. Review status: criteria provided, multiple submitters, no conflicts (2 of 4 stars). 4 submissions from 4 submitters: Pathogenic (4). Last evaluated 2026-06-08.

Conditions:
Neurofibromatosis, type 1 (NF1). Also called: NEUROFIBROMATOSIS, TYPE I, SOMATIC; Neurofibromatosis, type I; VON RECKLINGHAUSEN DISEASE; Peripheral type neurofibromatosis. Identifiers: Orphanet 636, MedGen C0027831, MONDO:0018975, OMIM 162200. Disease mechanism: loss of function.
NF1-related disorder. Also called: NF1-related condition. Identifiers: MedGen CN379171.
Cardiovascular phenotype. Identifiers: MedGen CN230736.
Hereditary cancer-predisposing syndrome. Also called: Tumor predisposition; Hereditary neoplastic syndrome; Neoplastic Syndromes, Hereditary; Hereditary Cancer Syndrome. Identifiers: Orphanet 140162, MedGen C0027672, MeSH D009386, MONDO:0015356.

Submissions (4):

Institute of Human Genetics, University of Leipzig Medical Center
Classification: Pathogenic for Neurofibromatosis, type 1. Last evaluated: 2026-06-08. Review status: criteria provided, single submitter. Criteria: ACMG Guidelines, 2015. Collection method: clinical testing. Allele origin: unknown. Inheritance: Autosomal dominant inheritance. Affected: yes.
Comment: Criteria applied: PVS1,PP4,PM2

Ambry Genetics
Classification: Pathogenic for Cardiovascular phenotype; Hereditary cancer-predisposing syndrome. Last evaluated: 2025-09-03. Review status: criteria provided, single submitter. Criteria: Ambry Variant Classification Scheme 2023. Collection method: clinical testing. Allele origin: germline.
Comment: The p.W2208* pathogenic mutation (also known as c.6623G>A), located in coding exon 43 of the NF1 gene, results from a G to A substitution at nucleotide position 6623. This changes the amino acid from a tryptophan to a stop codon within coding exon 43. This variant was reported in individual(s) with features consistent with neurofibromatosis type 1 (NF1) (Okazaki T et al. Yonago Acta Med, 2016 Jun;59:118-25). Another mutation (c.6624G>A) resulting in the same stop codon has also been reported in an individual meeting clinical diagnosis of NF1 (Heim RA et al. Hum. Mol. Genet., 1995 Jun;4:975-81). This variant is considered to be rare based on population cohorts in the Genome Aggregation Database (gnomAD). In addition to the clinical data presented in the literature, this alteration is expected to result in loss of function by premature protein truncation or nonsense-mediated mRNA decay. As such, this alteration is interpreted as a disease-causing mutation.

Labcorp Genetics (formerly Invitae), Labcorp
Classification: Pathogenic for Neurofibromatosis, type 1. Last evaluated: 2025-08-02. Review status: criteria provided, single submitter. Criteria: Invitae Variant Classification Sherloc (09022015). Collection method: clinical testing. Allele origin: germline.
Comment: This sequence change creates a premature translational stop signal (p.Trp2208*) in the NF1 gene. It is expected to result in an absent or disrupted protein product. Loss-of-function variants in NF1 are known to be pathogenic (PMID: 10712197, 23913538). This variant is not present in population databases (gnomAD no frequency). This premature translational stop signal has been observed in individual(s) with neurofibromatosis type 1 (PMID: 7655472). Invitae Evidence Modeling of clinical and family history, age, sex, and reported ancestry of multiple individuals with this NF1 variant has been performed. This variant is expected to be pathogenic with a positive predictive value of at least 99%. This is a validated machine learning model that incorporates the clinical features of 1,785,918 individuals referred to our laboratory for NF1 testing. ClinVar contains an entry for this variant (Variation ID: 1451873). For these reasons, this variant has been classified as Pathogenic.

Blueprint Genetics
Classification: Pathogenic for NF1-related disorders. Last evaluated: 2023-10-20. Review status: criteria provided, single submitter. Criteria: ACMG Guidelines, 2015. Collection method: clinical testing. Allele origin: germline. Affected: yes. Observed: 1 variant allele.

Literature cited by the submitters: PubMed 23656349 (cited by Ambry Genetics); PubMed 27493482 (cited by Ambry Genetics); PubMed 7655472 (cited by Ambry Genetics and Labcorp Genetics (formerly Invitae), Labcorp); PubMed 10712197 (cited by Labcorp Genetics (formerly Invitae), Labcorp); PubMed 23913538 (cited by Labcorp Genetics (formerly Invitae), Labcorp).